The following is an entry in ClinVar:

NM_012179.4(FBXO7):c.1388C>T (p.Ser463Leu)

Gene: FBXO7 (F-box protein 7; plus strand). Cytogenetic location: 22q12.3.
Variant type: single nucleotide variant.
Coding change: c.1388C>T on transcript NM_012179.4 (MANE Select); coding-DNA position 1388, C replaced by T.
Protein change: p.Ser463Leu; replaces serine 463 with leucine.
Molecular consequence: missense variant.
Genome position (GRCh38, 1-based): chr22:32,498,349, C>T. VCF-style: chr22-32498349-C-T. GRCh37 (hg19) VCF-style: chr22-32894336-C-T.
Other names: c.1151C>T, p.Ser384Leu (NM_001033024.2); c.1046C>T, p.Ser349Leu (NM_001257990.2); c.1388C>T (NM_012179.3); short protein forms S384L, S349L, S463L.
Identifiers: ClinVar variation 1433610 (VCV001433610.7), dbSNP rs1182785309, ClinGen allele CA411335920.

ClinVar aggregate classification (germline): Uncertain significance. Review status: criteria provided, multiple submitters, no conflicts (2 of 4 stars). 3 submissions from 3 submitters: Uncertain significance (3). Last evaluated 2023-08-21.

Conditions:
Inborn genetic diseases. Identifiers: MedGen C0950123, MeSH D030342.
Parkinsonian-pyramidal syndrome. Also called: PARKINSON DISEASE 15, AUTOSOMAL RECESSIVE EARLY-ONSET; PALLIDOPYRAMIDAL SYNDROME; PARKINSON DISEASE 15, AUTOSOMAL RECESSIVE. Identifiers: Orphanet 171695, MedGen C1850100, MONDO:0009830, OMIM 260300.

Allele frequency attached by ClinVar (database versions not stated): gnomAD exomes below 0.00001; TOPMed below 0.00001; gnomAD 0.00001 and 0.00002.
gnomAD v4.1: 15 of 1,614,074 alleles (0.00093%); highest among the groups gnomAD compares: Admixed American, 0.0067%; no homozygotes.

Submissions (3):

Ambry Genetics
Classification: Uncertain significance for Inborn genetic diseases. Last evaluated: 2023-08-21. Review status: criteria provided, single submitter. Criteria: Ambry Variant Classification Scheme 2023. Collection method: clinical testing. Allele origin: germline.

Labcorp Genetics (formerly Invitae), Labcorp
Classification: Uncertain significance for Parkinsonian-pyramidal syndrome. Last evaluated: 2021-09-24. Review status: criteria provided, single submitter. Criteria: Invitae Variant Classification Sherloc (09022015). Collection method: clinical testing. Allele origin: germline.
Comment: This sequence change replaces serine with leucine at codon 463 of the FBXO7 protein (p.Ser463Leu). The serine residue is highly conserved and there is a large physicochemical difference between serine and leucine. This variant is not present in population databases (ExAC no frequency). This variant has not been reported in the literature in individuals affected with FBXO7-related conditions. Algorithms developed to predict the effect of missense changes on protein structure and function are either unavailable or do not agree on the potential impact of this missense change (SIFT: "Deleterious"; PolyPhen-2: "Benign"; Align-GVGD: "Class C0"). In summary, the available evidence is currently insufficient to determine the role of this variant in disease. Therefore, it has been classified as a Variant of Uncertain Significance.

Fulgent Genetics
Classification: Uncertain significance for Parkinsonian-pyramidal syndrome. Last evaluated: 2021-08-18. Review status: criteria provided, single submitter. Criteria: ACMG Guidelines, 2015. Collection method: clinical testing. Allele origin: unknown.